The following is an entry in ClinVar:

ClinVar aggregate classification (germline): Uncertain significance (1 of 4 stars; one submission).

Allele frequency attached by ClinVar (database versions not stated): gnomAD exomes below 0.00001; TOPMed 0.00001.
gnomAD v4.1: 4 of 1,231,454 alleles (0.00032%); highest among the groups gnomAD compares: African/African-American, 0.0016%; no homozygotes.

Submission:

Labcorp Genetics (formerly Invitae), Labcorp
Classification: Uncertain significance. Last evaluated: 2022-07-09. Review status: criteria provided, single submitter. Criteria: Invitae Variant Classification Sherloc (09022015). Collection method: clinical testing. Allele origin: germline.
Comment: This sequence change replaces valine, which is neutral and non-polar, with leucine, which is neutral and non-polar, at codon 60 of the INPPL1 protein (p.Val60Leu). In summary, the available evidence is currently insufficient to determine the role of this variant in disease. Therefore, it has been classified as a Variant of Uncertain Significance. Algorithms developed to predict the effect of missense changes on protein structure and function (SIFT, PolyPhen-2, Align-GVGD) all suggest that this variant is likely to be tolerated. This variant has not been reported in the literature in individuals affected with INPPL1-related conditions. This variant is not present in population databases (gnomAD no frequency).

NM_001567.4(INPPL1):c.178G>C (p.Val60Leu)

Genes: INPPL1 (inositol polyphosphate phosphatase like 1; plus strand), LOC130006328 (ATAC-STARR-seq lymphoblastoid silent region 3717; plus strand). Cytogenetic location: 11q13.4.
Variant type: single nucleotide variant.
Coding change: c.178G>C on transcript NM_001567.4 (MANE Select); coding-DNA position 178, G replaced by C.
Protein change: p.Val60Leu; replaces valine 60 with leucine.
Molecular consequence: missense variant.
Genome position (GRCh38, 1-based): chr11:72,225,162, G>C. VCF-style: chr11-72225162-G-C. GRCh37 (hg19) VCF-style: chr11-71936206-G-C.
Other names: short protein forms V60L.
Identifiers: ClinVar variation 1981749 (VCV001981749.2), dbSNP rs1035855384, ClinGen allele CA224429211.